The following is an entry in ClinVar:

ClinVar aggregate classification (germline): Uncertain significance (1 of 4 stars; one submission).

Conditions:
Primary ciliary dyskinesia. Also called: Ciliary dyskinesia. Identifiers: Orphanet 244, MedGen C0008780, MONDO:0016575, HP:0012265.

Submission:

Labcorp Genetics (formerly Invitae), Labcorp
Classification: Uncertain significance for Primary ciliary dyskinesia. Last evaluated: 2026-01-17. Review status: criteria provided, single submitter. Criteria: Invitae Variant Classification Sherloc (09022015). Collection method: clinical testing. Allele origin: germline.
Comment: This sequence change replaces leucine, which is neutral and non-polar, with tryptophan, which is neutral and slightly polar, at codon 119 of the RPGR protein (p.Leu119Trp). This variant is not present in population databases (gnomAD no frequency). This missense change has been observed in individual(s) with clinical features of retinitis pigmentosa (internal data). Invitae Evidence Modeling of protein sequence and biophysical properties (such as structural, functional, and spatial information, amino acid conservation, physicochemical variation, residue mobility, and thermodynamic stability) indicates that this missense variant is expected to disrupt RPGR protein function with a positive predictive value of 95%. This variant disrupts the p.Leu119 amino acid residue in RPGR. Other variant(s) that disrupt this residue have been observed in individuals with RPGR-related conditions (PMID: 37217489; internal data), which suggests that this may be a clinically significant amino acid residue. In summary, the available evidence is currently insufficient to determine the role of this variant in disease. Therefore, it has been classified as a Variant of Uncertain Significance.

Literature cited by the submitters: PubMed 37217489.

NM_001034853.2(RPGR):c.356T>G (p.Leu119Trp)

Gene: RPGR (retinitis pigmentosa GTPase regulator; minus strand). Cytogenetic location: Xp11.4.
Variant type: single nucleotide variant.
Coding change: c.356T>G on transcript NM_001034853.2 (MANE Select); coding-DNA position 356, T replaced by G.
Protein change: p.Leu119Trp; replaces leucine 119 with tryptophan.
Molecular consequence: missense variant. On other transcripts: non-coding transcript variant (6).
Genome position (GRCh38, 1-based): chrX:38,318,942, A>C on the plus strand (T>G on the coding strand, the complement: RPGR is on the minus strand). VCF-style: chrX-38318942-A-C. GRCh37 (hg19) VCF-style: chrX-38178195-A-C.
Other names: c.356T>G, p.Leu119Trp (NM_000328.3, NM_001367245.1, NM_001367246.1 and 3 more transcripts); c.386T>G, p.Leu129Trp (NM_001367248.1); c.353T>G, p.Leu118Trp (NM_001367249.1); short protein forms L118W, L119W, L129W.
Identifiers: ClinVar variation 4746274 (VCV004746274.1).
Genomic context (GRCh38, chrX:38,318,942, plus strand): 5'-TCGGATGTAAAAAAGCTAATTACATGAAAAGTGTTTCTTTCTTCGGTGTCACCAAGCCCC[A>C]ACTGTCCTTCATTATTTCCACCAGTTGCATATACATTGCCTCCTTCTGCACATGGAAAAG-3'
Protein context (NP_001030025.1, residues 109-129): YATGGNNEGQ[Leu119Trp]GLGDTEERNT